The following is an entry in ClinVar:

ClinVar aggregate classification (germline): Likely benign (1 of 4 stars; one submission).

gnomAD v4.1: 30 of 1,601,656 alleles (0.0019%); highest among the groups gnomAD compares: Non-Finnish European, 0.002%; no homozygotes.

Submission:

CeGaT Center for Human Genetics Tuebingen
Classification: Likely benign. Last evaluated: 2024-08-01. Review status: criteria provided, single submitter. Criteria: CeGaT Center For Human Genetics Tuebingen Variant Classification Criteria Version 2. Collection method: clinical testing. Allele origin: germline. Affected: yes. Observed: 1 variant allele.
Comment: BAZ1B: BP4, BP7

NM_032408.4(BAZ1B):c.3075C>T (p.Tyr1025=)

Gene: BAZ1B (bromodomain adjacent to zinc finger domain 1B; minus strand). Cytogenetic location: 7q11.23.
Variant type: single nucleotide variant.
Coding change: c.3075C>T on transcript NM_032408.4 (MANE Select); coding-DNA position 3075, C replaced by T.
Protein change: p.Tyr1025=; no amino-acid change (tyrosine 1025 retained).
Molecular consequence: synonymous variant.
Genome position (GRCh38, 1-based): chr7:73,463,096, G>A on the plus strand (C>T on the coding strand, the complement: BAZ1B is on the minus strand). VCF-style: chr7-73463096-G-A. GRCh37 (hg19) VCF-style: chr7-72877426-G-A.
Other names: c.3075C>T, p.Tyr1025= (NM_001370402.1).
Identifiers: ClinVar variation 3341873 (VCV003341873.16).